The following is an entry in ClinVar:

NM_001166108.2(PALLD):c.1965-12570C>A

Gene: PALLD (palladin, cytoskeletal associated protein; plus strand). Cytogenetic location: 4q32.3.
Variant type: single nucleotide variant.
Coding change: c.1965-12570C>A on transcript NM_001166108.2 (MANE Select); 12570 bases into the intron before coding-DNA position 1965, C replaced by A.
Molecular consequence: intron variant. On other transcripts: missense variant (1).
Genome position (GRCh38, 1-based): chr4:168,878,352, C>A. VCF-style: chr4-168878352-C-A. GRCh37 (hg19) VCF-style: chr4-169799503-C-A.
Other names: c.461C>A, p.Ala154Glu (NM_001166110.2); c.1965-12570C>A (NM_016081.4); c.819-12570C>A (NM_001166109.2); c.-157-12570C>A (NM_001367570.1, NM_001367568.1, NM_001367567.1 and 1 more transcripts); short protein forms A154E.
Identifiers: ClinVar variation 4861561 (VCV004861561.1).

ClinVar aggregate classification (germline): Uncertain significance (1 of 4 stars; one submission).

gnomAD v4.1: 1 of 1,518,956 alleles (0.000066%); highest among the groups gnomAD compares: African/African-American, 0.0014%; no homozygotes.

Submission:

Ambry Genetics
Classification: Uncertain significance. Last evaluated: 2026-05-19. Review status: criteria provided, single submitter. Criteria: Ambry Variant Classification Scheme 2023. Collection method: clinical testing. Allele origin: germline.
Comment: The p.A154E variant (also known as c.461C>A), located in coding exon 1 of the PALLD gene, results from a C to A substitution at nucleotide position 461. The alanine at codon 154 is replaced by glutamic acid, an amino acid with dissimilar properties. This amino acid position is conserved. In addition, this alteration is predicted to be tolerated by in silico analysis. Based on the available evidence, the clinical significance of this variant remains unclear.